The following is an entry in ClinVar:

ClinVar aggregate classification (germline): Likely pathogenic. Review status: criteria provided, multiple submitters, no conflicts (2 of 4 stars). 4 submissions from 4 submitters: Likely pathogenic (3). 1 of the submissions does not count toward it. Last evaluated 2025-02-10.

Conditions:
Sandhoff disease. Also called: GM2-GANGLIOSIDOSIS, TYPE II; HEXOSAMINIDASES A AND B DEFICIENCY; Beta-hexosaminidase-beta-subunit deficiency; GM2 gangliosidosis, type 2; Total hexosaminidase deficiency; Sandhoff-Jatzkewitz-Pilz disease. Identifiers: Orphanet 796, MedGen C0036161, MONDO:0010006, OMIM 268800.

Submissions (4):

Natera, Inc.
Classification: Likely pathogenic for Sandhoff disease. Last evaluated: 2025-02-10. Review status: criteria provided, single submitter. Criteria: Natera Variant Classification Schema (03/2026). Collection method: clinical testing. Allele origin: germline.
Comment: The c.1613+15_1613+18dupAAGT variant in HEXB is a duplication affecting an intronic region. This variant is rare in the general population with a frequency below the threshold expected for the associated phenotype(s). This variant has been observed in one or more individuals affected with the associated recessive disease, as either homozygous or compound heterozygous with a second variant (PMID: 23158871, 33742171). This variant has been identified in one or more affected individual with a phenotype highly consistent with the associated gene (PMID: 23158871, 33742171). Functional studies show that this variant may disrupt protein function (PMID: 23158871). Multiple computational prediction algorithms suggest this variant is unlikely to affect gene or protein function. Given the available evidence, this variant is classified as Likely Pathogenic.

Fulgent Genetics
Classification: Likely pathogenic for Sandhoff disease. Last evaluated: 2024-03-14. Review status: criteria provided, single submitter. Criteria: ACMG Guidelines, 2015. Collection method: clinical testing. Allele origin: germline.

Women's Health and Genetics/Laboratory Corporation of America, LabCorp
Classification: Likely pathogenic for Sandhoff disease. Last evaluated: 2021-10-04. Review status: criteria provided, single submitter. Criteria: LabCorp Variant Classification Summary - May 2015. Collection method: clinical testing. Allele origin: germline.
Comment: Variant summary: HEXB c.1613+15_1613+18dupAAGT alters a nucleotide located close to a canonical splice site and therefore could affect mRNA splicing, leading to a significantly altered protein sequence. Several computational tools predict a significant impact on normal splicing: Four predict the variant strengthens a cryptic intronic 5' splice donor site, while four predict the variant has no significant impact on splicing at the canonical splice donor site located at c.1613+1-c.1613+2. At least one publication reports experimental evidence that this variant affects mRNA splicing resulting in the addition of 16 bp sequence from intron 13 consistent with the computational splice prediction (Pierson_2013). The authors also noted the presence of normal cDNA products indicating that the mRNA produced from this allele likely underwent some degree of proper splicing resulting in a small fraction of normal beta subunits as well. The variant was absent in 250692 control chromosomes. c.1613+15_1613+18dupAAGT has been reported in the literature as a compound heterozygous genotype and as a homozygous genotype respectively in at-least two individuals, one of whom was affected with Juvenile-onset motor neuron disease (compound heterozygote, Pierson_2013). These data indicate that the variant may be associated with disease. The report by Pierson_2013, also noted a very small amount of wild-type beta-subunit protein (approximately 5% of normal) and a skweing of the total HEX A activity towards the HEX-A and/or HEX S isoforms. The authors speculate that the residual low amounts of mature beta subunit protein could explain the patient's later-onset phenotype as compared to the more fulminant infantile variant of Sandhoff disease. One clinical diagnostic laboratory has submitted clinical-significance assessments for this variant to ClinVar after 2014 and classified the variant as uncertain significance citing overlapping but not all the evidence utilized in the context of this evaluation. Based on the evidence outlined above, the variant was classified as likely pathogenic.

Counsyl
Classification: Uncertain significance for Sandhoff disease. Last evaluated: 2017-12-07. Review status: flagged submission. Collection method: clinical testing. Allele origin: unknown. Not counted in ClinVar's aggregate classification.
ClinVar note: Reason: Older claim that does not account for recent evidence

Literature cited by the submitters: PubMed 23158871 (cited by 3 submitters); PubMed 33742171 (cited by Natera, Inc. and Women's Health and Genetics/Laboratory Corporation of America, LabCorp); PubMed 24503148 (cited by Women's Health and Genetics/Laboratory Corporation of America, LabCorp).

NM_000521.4(HEXB):c.1613+15_1613+18dup

Gene: HEXB (hexosaminidase subunit beta; plus strand). Cytogenetic location: 5q13.3.
Variant type: Duplication.
Coding change: c.1613+15_1613+18dup on transcript NM_000521.4 (MANE Select); bases 15 to 18 of the intron after coding-DNA position 1613, 4 bases duplicated (AAGT; older notation c.1613+15_1613+18dupAAGT).
Molecular consequence: intron variant.
Genome position (GRCh38, 1-based): chr5:74,720,762-74,720,765, AAGT duplicated; duplicating any 4 consecutive bases within chr5:74,720,761-74,720,765 gives the same sequence; the c. name uses the placement nearest the transcript's 3' end. VCF-style (leftmost placement, unchanged base first): chr5-74720760-T-TTAAG. GRCh37 (hg19) VCF-style: chr5-74016585-T-TTAAG.
Other names: c.938+15_938+18dup (NM_001292004.2); c.1613+15_1613+18dupAAGT (NM_000521.3).
Identifiers: ClinVar variation 555459 (VCV000555459.6), dbSNP rs779273534, ClinGen allele CA120908515.